The following is an entry in ClinVar:

NM_001042492.3(NF1):c.602T>G (p.Phe201Cys)

Gene: NF1 (neurofibromin 1; plus strand). Cytogenetic location: 17q11.2.
Variant type: single nucleotide variant.
Coding change: c.602T>G on transcript NM_001042492.3 (MANE Select); coding-DNA position 602, T replaced by G.
Protein change: p.Phe201Cys; replaces phenylalanine 201 with cysteine.
Molecular consequence: missense variant.
Genome position (GRCh38, 1-based): chr17:31,181,437, T>G. VCF-style: chr17-31181437-T-G. GRCh37 (hg19) VCF-style: chr17-29508455-T-G.
Other names: c.602T>G, p.Phe201Cys (NM_000267.4, NM_001128147.3); short protein forms F201C.
Identifiers: ClinVar variation 943581 (VCV000943581.6), dbSNP rs2066131098, ClinGen allele CA398989262.

ClinVar aggregate classification (germline): Uncertain significance (1 of 4 stars; one submission).

Conditions:
Neurofibromatosis, type 1 (NF1). Also called: Peripheral type neurofibromatosis; Neurofibromatosis, type I; VON RECKLINGHAUSEN DISEASE; NEUROFIBROMATOSIS, TYPE I, SOMATIC. Identifiers: Orphanet 636, MedGen C0027831, MONDO:0018975, OMIM 162200. Disease mechanism: loss of function.

Submission:

Labcorp Genetics (formerly Invitae), Labcorp
Classification: Uncertain significance for Neurofibromatosis, type 1. Last evaluated: 2019-05-18. Review status: criteria provided, single submitter. Criteria: Invitae Variant Classification Sherloc (09022015). Collection method: clinical testing. Allele origin: germline.
Comment: This sequence change replaces phenylalanine with cysteine at codon 201 of the NF1 protein (p.Phe201Cys). The phenylalanine residue is highly conserved and there is a large physicochemical difference between phenylalanine and cysteine. This variant is not present in population databases (ExAC no frequency). This variant has not been reported in the literature in individuals with NF1-related conditions. Algorithms developed to predict the effect of missense changes on protein structure and function are either unavailable or do not agree on the potential impact of this missense change (SIFT: "Deleterious"; PolyPhen-2: "Probably Damaging"; Align-GVGD: "Class C0"). Algorithms developed to predict the effect of sequence changes on RNA splicing suggest that this variant may create or strengthen a splice site, but this prediction has not been confirmed by published transcriptional studies. In summary, the available evidence is currently insufficient to determine the role of this variant in disease. Therefore, it has been classified as a Variant of Uncertain Significance.